The following is an entry in ClinVar:

ClinVar aggregate classification (germline): Likely pathogenic (1 of 4 stars; one submission).

Conditions:
Familial thoracic aortic aneurysm and aortic dissection (TAAD). Also called: Thoracic aortic aneurysms and dissections. Identifiers: Orphanet 91387, MedGen C4707243, MONDO:0019625.

Submission:

Labcorp Genetics (formerly Invitae), Labcorp
Classification: Likely pathogenic for Familial thoracic aortic aneurysm and aortic dissection. Last evaluated: 2023-06-20. Review status: criteria provided, single submitter. Criteria: Invitae Variant Classification Sherloc (09022015). Collection method: clinical testing. Allele origin: unknown.
Comment: In summary, the currently available evidence indicates that the variant is pathogenic, but additional data are needed to prove that conclusively. Therefore, this variant has been classified as Likely Pathogenic. This variant has been observed in individual(s) with clinical features of Loeys Dietz syndrome (Invitae). This variant results in the deletion of part of exon 4 (c.747_806-1129del) of the TGFBR1 gene. It is expected to disrupt RNA splicing. Variants that disrupt the donor or acceptor splice site typically lead to a loss of protein function (PMID: 16199547), and loss-of-function variants in TGFBR1 are known to be pathogenic (PMID: 21358634).

Literature cited by the submitters: PubMed 16199547; PubMed 21358634.

NC_000009.11:g.(?_101900313)_(101903689_?)del

Gene: TGFBR1 (transforming growth factor beta receptor 1; plus strand). Cytogenetic location: 9q22.33.
Variant type: Deletion.
Identifiers: ClinVar variation 3245272 (VCV003245272.1).